The following is an entry in ClinVar:

NM_152490.5(B3GALNT2):c.842-1G>C

Gene: B3GALNT2 (beta-1,3-N-acetylgalactosaminyltransferase 2; minus strand). Cytogenetic location: 1q42.3.
Variant type: single nucleotide variant.
Coding change: c.842-1G>C on transcript NM_152490.5 (MANE Select); the canonical splice acceptor site of the intron before coding-DNA position 842, G replaced by C.
Molecular consequence: splice acceptor variant.
Genome position (GRCh38, 1-based): chr1:235,458,787, C>G on the plus strand (G>C on the coding strand, the complement: B3GALNT2 is on the minus strand). VCF-style: chr1-235458787-C-G. GRCh37 (hg19) VCF-style: chr1-235622095-C-G.
Identifiers: ClinVar variation 646997 (VCV000646997.6), dbSNP rs764784497, ClinGen allele CA344960514.

ClinVar aggregate classification (germline): Likely pathogenic (1 of 4 stars; one submission).

Conditions:
Muscular dystrophy-dystroglycanopathy (congenital with brain and eye anomalies), type a, 11 (MDDGA11). Also called: WALKER-WARBURG SYNDROME OR MUSCLE-EYE-BRAIN DISEASE, B3GALNT2-RELATED; Muscular dystrophy-dystroglycanopathy (congenital with brain and eye anomalies, type A, 11; Congenital muscular dystrophy-dystroglycanopathy with brain and eye anomalies, type A11. Identifiers: Orphanet 588, Orphanet 899, MedGen C3554638, MONDO:0014071, OMIM 615181.

gnomAD v4.1: 3 of 1,572,750 alleles (0.00019%); highest among the groups gnomAD compares: Non-Finnish European, 0.00026%; no homozygotes.

Submission:

Labcorp Genetics (formerly Invitae), Labcorp
Classification: Likely pathogenic for Muscular dystrophy-dystroglycanopathy (congenital with brain and eye anomalies), type a, 11. Last evaluated: 2018-11-27. Review status: criteria provided, single submitter. Criteria: Invitae Variant Classification Sherloc (09022015). Collection method: clinical testing. Allele origin: germline.
Comment: This sequence change affects an acceptor splice site in intron 7 of the B3GALNT2 gene. It is expected to disrupt RNA splicing and likely results in an absent or disrupted protein product. This variant is not present in population databases (ExAC no frequency). This variant has not been reported in the literature in individuals with B3GALNT2-related conditions. Donor and acceptor splice site variants typically lead to a loss of protein function (PMID: 16199547), and loss-of-function variants in B3GALNT2 are known to be pathogenic (PMID: 23453667). In summary, the currently available evidence indicates that the variant is pathogenic, but additional data are needed to prove that conclusively. Therefore, this variant has been classified as Likely Pathogenic.

Literature cited by the submitters: PubMed 16199547; PubMed 23453667.